The following is an entry in ClinVar:

ClinVar aggregate classification (germline): Uncertain significance. Review status: criteria provided, multiple submitters, no conflicts (2 of 4 stars). 3 submissions from 3 submitters: Uncertain significance (3). Last evaluated 2026-01-19.

Conditions:
COL9A3-related disorder. Also called: COL9A3-related condition.

gnomAD v4.1: 14 of 1,612,634 alleles (0.00087%); highest among the groups gnomAD compares: East Asian, 0.0022%; no homozygotes.

Submissions (3):

Labcorp Genetics (formerly Invitae), Labcorp
Classification: Uncertain significance. Last evaluated: 2026-01-19. Review status: criteria provided, single submitter. Criteria: Invitae Variant Classification Sherloc (09022015). Collection method: clinical testing. Allele origin: germline.
Comment: This sequence change replaces isoleucine, which is neutral and non-polar, with threonine, which is neutral and polar, at codon 571 of the COL9A3 protein (p.Ile571Thr). This variant is present in population databases (no rsID available, gnomAD 0.006%). This variant has not been reported in the literature in individuals affected with COL9A3-related conditions. ClinVar contains an entry for this variant (Variation ID: 1501949). Invitae Evidence Modeling of protein sequence and biophysical properties (such as structural, functional, and spatial information, amino acid conservation, physicochemical variation, residue mobility, and thermodynamic stability) indicates that this missense variant is not expected to disrupt COL9A3 protein function with a negative predictive value of 95%. In summary, the available evidence is currently insufficient to determine the role of this variant in disease. Therefore, it has been classified as a Variant of Uncertain Significance.

PreventionGenetics, part of Exact Sciences
Classification: Uncertain significance for COL9A3-related condition. Last evaluated: 2025-01-17. Review status: criteria provided, single submitter. Criteria: ACMG Guidelines, 2015. Collection method: clinical testing. Allele origin: germline.
Comment: The COL9A3 c.1712T>C variant is predicted to result in the amino acid substitution p.Ile571Thr. To our knowledge, this variant has not been reported in the literature. This variant is reported in 0.0055% of alleles in individuals of East Asian descent in gnomAD. At this time, the clinical significance of this variant is uncertain due to the absence of conclusive functional and genetic evidence.

Blueprint Genetics
Classification: Uncertain significance. Last evaluated: 2024-07-16. Review status: criteria provided, single submitter. Criteria: ACMG Guidelines, 2015. Collection method: clinical testing. Allele origin: germline.

NM_001853.4(COL9A3):c.1712T>C (p.Ile571Thr)

Gene: COL9A3 (collagen type IX alpha 3 chain; plus strand). Cytogenetic location: 20q13.33.
Variant type: single nucleotide variant.
Coding change: c.1712T>C on transcript NM_001853.4 (MANE Select); coding-DNA position 1712, T replaced by C.
Protein change: p.Ile571Thr; replaces isoleucine 571 with threonine.
Molecular consequence: missense variant.
Genome position (GRCh38, 1-based): chr20:62,837,191, T>C. VCF-style: chr20-62837191-T-C. GRCh37 (hg19) VCF-style: chr20-61468543-T-C.
Other names: c.1712T>C (NM_001853.3); short protein forms I571T.
Identifiers: ClinVar variation 1501949 (VCV001501949.11), dbSNP rs776019119, ClinGen allele CA409599427.
Genomic context (GRCh38, chr20:62,837,191, plus strand): 5'-GGTCCATTGGTCGGCCCGGTCCAGCTGGCCCCCCTGGGCCCCCAGGACCCCCAGGCTCCA[T>C]TGGTCACCCTGGCGCTCGAGGACCCCCTGGATACCGCGGTCCCACTGGGGAGCTGGGAGA-3'
Protein context (NP_001844.3, residues 561-581): PPGPPGPPGS[Ile571Thr]GHPGARGPPG